The following is an entry in ClinVar:

NM_005068.3(SIM1):c.1864T>C (p.Ser622Pro)

Gene: SIM1 (SIM bHLH transcription factor 1; minus strand). Cytogenetic location: 6q16.3.
Variant type: single nucleotide variant.
Coding change: c.1864T>C on transcript NM_005068.3 (MANE Select); coding-DNA position 1864, T replaced by C.
Protein change: p.Ser622Pro; replaces serine 622 with proline.
Molecular consequence: missense variant.
Genome position (GRCh38, 1-based): chr6:100,390,798, A>G on the plus strand (T>C on the coding strand, the complement: SIM1 is on the minus strand). VCF-style: chr6-100390798-A-G. GRCh37 (hg19) VCF-style: chr6-100838674-A-G.
Other names: c.1864T>C, p.Ser622Pro (NM_001374769.1); short protein forms S622P.
Identifiers: ClinVar variation 756451 (VCV000756451.14), dbSNP rs141415931, ClinGen allele CA3936924.

ClinVar aggregate classification (germline): Likely benign. Review status: criteria provided, multiple submitters, no conflicts (2 of 4 stars). 3 submissions from 3 submitters: Likely benign (2). 1 of the submissions does not count toward it. Last evaluated 2026-01-12.

Conditions:
Monogenic diabetes. Identifiers: Orphanet 183625, MedGen C3888631, MONDO:0015967.
SIM1-related disorder. Also called: SIM1-related disorders; SIM1-related condition.

Allele frequency attached by ClinVar (database versions not stated): gnomAD exomes 0.00006 and 0.00020; ExAC 0.00020; 1000 Genomes Project 30x 0.00047; 1000 Genomes Project 0.00060; ESP Exome Variant Server 0.00069; gnomAD 0.00100 and 0.00105; TOPMed 0.00116.
gnomAD v4.1: 235 of 1,614,080 alleles (0.015%); highest among the groups gnomAD compares: African/African-American, 0.29%; no homozygotes.

Submissions (3):

Labcorp Genetics (formerly Invitae), Labcorp
Classification: Likely benign. Last evaluated: 2026-01-12. Review status: criteria provided, single submitter. Criteria: Invitae Variant Classification Sherloc (09022015). Collection method: clinical testing. Allele origin: germline.

Personalized Diabetes Medicine Program, University of Maryland School of Medicine
Classification: Likely benign for Monogenic diabetes. Last evaluated: 2018-12-21. Review status: criteria provided, single submitter. Criteria: ACMG Guidelines, 2015. Collection method: research. Allele origin: unknown. Observed: 2 variant alleles, 2 heterozygotes.
Comment: ACMG criteria: BP4 (REVEL 0.07 + 8 predictors; not using PP3/2 predictors), BS2 (74 htz in gnomAD), variant found in PMID: 21512513 but doesn't give us additional info = likely benign

PreventionGenetics, part of Exact Sciences
Classification: Likely benign for SIM1-related condition. Last evaluated: 2020-06-25. Review status: no assertion criteria provided. Collection method: clinical testing. Allele origin: germline. Not counted in ClinVar's aggregate classification.
Comment: This variant is classified as likely benign based on ACMG/AMP sequence variant interpretation guidelines (Richards et al. 2015 PMID: 25741868, with internal and published modifications).

Literature cited by the submitters: PubMed 21512513 (cited by Personalized Diabetes Medicine Program, University of Maryland School of Medicine).